The following is an entry in ClinVar:

NM_020297.4(ABCC9):c.4255T>C (p.Trp1419Arg)

Genes: ABCC9 (ATP binding cassette subfamily C member 9; minus strand), KCNJ8-AS1 (KCNJ8 antisense RNA 1; plus strand). Cytogenetic location: 12p12.1.
Variant type: single nucleotide variant.
Coding change: c.4255T>C on transcript NM_020297.4 (MANE Select); coding-DNA position 4255, T replaced by C.
Protein change: p.Trp1419Arg; replaces tryptophan 1419 with arginine.
Molecular consequence: missense variant.
Genome position (GRCh38, 1-based): chr12:21,809,912, A>G on the plus strand (T>C on the coding strand, the complement: ABCC9 is on the minus strand). VCF-style: chr12-21809912-A-G. GRCh37 (hg19) VCF-style: chr12-21962846-A-G.
Other names: c.4255T>C, p.Trp1419Arg (NM_001377273.1, NM_005691.4); c.3388T>C, p.Trp1130Arg (NM_001377274.1); short protein forms W1130R, W1419R.
Identifiers: ClinVar variation 3705097 (VCV003705097.3).
Genomic context (GRCh38, chr12:21,809,912, plus strand): 5'-CTAGACCTCCAGGTAGAGATTTGACCATATTCTTCAGCTGAGCAATTTCTAAGGCTTCCC[A>G]GAGTCTGTCATCTGTGCATTTGCACTCTGGATCTAAATTAAATCTGTAGGGAAAAATTAG-3'
Protein context (NP_064693.2, residues 1409-1429): PECKCTDDRL[Trp1419Arg]EALEIAQLKN

ClinVar aggregate classification (germline): Uncertain significance. Review status: criteria provided, multiple submitters, no conflicts (2 of 4 stars). 2 submissions from 2 submitters: Uncertain significance (2). Last evaluated 2025-07-03.

Conditions:
Dilated cardiomyopathy 1O (CMD1O). Also called: CARDIOMYOPATHY, DILATED, WITH VENTRICULAR TACHYCARDIA. Identifiers: Orphanet 154, MedGen C1837839, MONDO:0012062, OMIM 608569.
Cardiovascular phenotype. Identifiers: MedGen CN230736.

gnomAD v4.1: 2 of 1,612,824 alleles (0.00012%); highest among the groups gnomAD compares: Non-Finnish European, 0.00017%; no homozygotes.

Submissions (2):

Ambry Genetics
Classification: Uncertain significance for Cardiovascular phenotype. Last evaluated: 2025-07-03. Review status: criteria provided, single submitter. Criteria: Ambry Variant Classification Scheme 2023. Collection method: clinical testing. Allele origin: germline.
Comment: The p.W1419R variant (also known as c.4255T>C), located in coding exon 35 of the ABCC9 gene, results from a T to C substitution at nucleotide position 4255. The tryptophan at codon 1419 is replaced by arginine, an amino acid with dissimilar properties. This amino acid position is highly conserved in available vertebrate species. In addition, this alteration is predicted to be deleterious by in silico analysis. Based on the available evidence, the clinical significance of this variant remains unclear.

Labcorp Genetics (formerly Invitae), Labcorp
Classification: Uncertain significance for Dilated cardiomyopathy 1O. Last evaluated: 2024-12-12. Review status: criteria provided, single submitter. Criteria: Invitae Variant Classification Sherloc (09022015). Collection method: clinical testing. Allele origin: germline.
Comment: This sequence change replaces tryptophan, which is neutral and slightly polar, with arginine, which is basic and polar, at codon 1419 of the ABCC9 protein (p.Trp1419Arg). This variant is present in population databases (rs369608273, gnomAD 0.002%). This variant has not been reported in the literature in individuals affected with ABCC9-related conditions. Invitae Evidence Modeling of protein sequence and biophysical properties (such as structural, functional, and spatial information, amino acid conservation, physicochemical variation, residue mobility, and thermodynamic stability) indicates that this missense variant is expected to disrupt ABCC9 protein function with a positive predictive value of 95%. In summary, the available evidence is currently insufficient to determine the role of this variant in disease. Therefore, it has been classified as a Variant of Uncertain Significance.